The following is an entry in ClinVar:

NM_001365536.1(SCN9A):c.2503C>A (p.Arg835=)

Genes: SCN1A-AS1 (SCN1A and SCN9A antisense RNA 1; plus strand), SCN9A (sodium voltage-gated channel alpha subunit 9; minus strand). Cytogenetic location: 2q24.3.
Variant type: single nucleotide variant.
Coding change: c.2503C>A on transcript NM_001365536.1 (MANE Select); coding-DNA position 2503, C replaced by A.
Protein change: p.Arg835=; no amino-acid change (arginine 835 retained).
Molecular consequence: synonymous variant.
Genome position (GRCh38, 1-based): chr2:166,278,154, G>T on the plus strand (C>A on the coding strand, the complement: SCN9A is on the minus strand). VCF-style: chr2-166278154-G-T. GRCh37 (hg19) VCF-style: chr2-167134664-G-T.
Other names: c.2470C>A, p.Arg824= (NM_002977.4).
Identifiers: ClinVar variation 4785637 (VCV004785637.1).
Genomic context (GRCh38, chr2:166,278,154, plus strand): 5'-TACCCCTTTATTATAGAATATAATGGCAACCTTAGTTTATGTTTACCAGTCTGAATGATC[G>T]CAGAACTGACAATCCTTCCACATCTGCTAGAAAGAGCTCCACTAAACTTAAAGTCACAAT-3'
Protein context (NP_001352465.1, residues 825-845): LADVEGLSVL[Arg835=]SFRLLRVFKL

ClinVar aggregate classification (germline): Uncertain significance (1 of 4 stars; one submission).

Conditions:
Neuropathy, hereditary sensory and autonomic, type 2A (HSAN2A). Also called: WNK1-Related HSAN2 (HSAN2A); ACROOSTEOLYSIS, GIACCAI TYPE; ACROOSTEOLYSIS, NEUROGENIC; MORVAN DISEASE; NEUROPATHY, CONGENITAL SENSORY; NEUROPATHY, HEREDITARY SENSORY RADICULAR, AUTOSOMAL RECESSIVE. Identifiers: Orphanet 970, MedGen C2752089, MONDO:0024309, OMIM 201300.
Generalized epilepsy with febrile seizures plus, type 7 (GEFSP7). Also called: GEFS+, TYPE 7. Identifiers: Orphanet 36387, MedGen C2751778, MONDO:0013470, OMIM 613863.

gnomAD v4.1: 1 of 1,611,964 alleles (0.000062%); highest among the groups gnomAD compares: Non-Finnish European, 0.000085%; no homozygotes.

Submission:

Labcorp Genetics (formerly Invitae), Labcorp
Classification: Uncertain significance for Neuropathy, hereditary sensory and autonomic, type 2A; Generalized epilepsy with febrile seizures plus, type 7. Last evaluated: 2025-07-27. Review status: criteria provided, single submitter. Criteria: Invitae Variant Classification Sherloc (09022015). Collection method: clinical testing. Allele origin: germline.
Comment: This sequence change affects codon 824 of the SCN9A mRNA. It is a 'silent' change, meaning that it does not change the encoded amino acid sequence of the SCN9A protein. This variant is not present in population databases (gnomAD no frequency). This variant has not been reported in the literature in individuals affected with SCN9A-related conditions. Algorithms developed to predict the effect of sequence changes on RNA splicing suggest that this variant may disrupt the consensus splice site. In summary, the available evidence is currently insufficient to determine the role of this variant in disease. Therefore, it has been classified as a Variant of Uncertain Significance.